The following is an entry in ClinVar:

ClinVar aggregate classification (germline): Likely benign (1 of 4 stars; one submission).

Allele frequency attached by ClinVar (database versions not stated): 1000 Genomes Project 0.00459; gnomAD exomes 0.00747; TOPMed 0.00944; 1000 Genomes Project 30x 0.00515.

Submission:

GeneDx
Classification: Likely benign. Last evaluated: 2018-06-16. Review status: criteria provided, single submitter. Criteria: GeneDx Variant Classification (06012015). Collection method: clinical testing. Allele origin: germline. Affected: yes.
Comment: This variant is considered likely benign or benign based on one or more of the following criteria: it is a conservative change, it occurs at a poorly conserved position in the protein, it is predicted to be benign by multiple in silico algorithms, and/or has population frequency not consistent with disease.

NM_003098.2(SNTA1):c.-382C>A

Gene: SNTA1 (syntrophin alpha 1; minus strand). Cytogenetic location: 20q11.21.
Variant type: single nucleotide variant.
Coding change: c.-382C>A on transcript NM_003098.2; 382 bases upstream of the start codon, C replaced by A.
Genome position (GRCh38, 1-based): chr20:33,444,002, G>T on the plus strand (C>A on the coding strand, the complement: SNTA1 is on the minus strand). VCF-style: chr20-33444002-G-T. GRCh37 (hg19) VCF-style: chr20-32031808-G-T.
Identifiers: ClinVar variation 673619 (VCV000673619.3), dbSNP rs186369578, ClinGen allele CA14773579.
Genomic context (GRCh38, chr20:33,444,002, plus strand): 5'-GGGCGGGGCGTCAGGGGGCGGGGCTTCGCGTCGGGGGCGGAACCCAGTGAGCCCGCGCAG[G>T]GGGCTCGGCGCTCGGAATGCCCATCGAGGGCCGGGACTGTAACTCCCGGACGTGGGAGCG-3'